The following is an entry in ClinVar:

ClinVar aggregate classification (germline): Uncertain significance. Review status: criteria provided, multiple submitters, no conflicts (2 of 4 stars). 4 submissions from 4 submitters: Uncertain significance (4). Last evaluated 2026-01-05.

Conditions:
Inborn genetic diseases. Identifiers: MedGen C0950123, MeSH D030342.
Mitochondrial DNA depletion syndrome 11 (MTDPS11). Identifiers: Orphanet 352447, MedGen C3554462, MONDO:0014039, OMIM 615084.

Allele frequency attached by ClinVar (database versions not stated): ESP Exome Variant Server 0.00023; gnomAD 0.00059 and 0.00055; ExAC 0.00016; gnomAD exomes 0.00036; TOPMed 0.00048.
gnomAD v4.1: 417 of 1,614,008 alleles (0.026%); highest among the groups gnomAD compares: Admixed American, 0.21%; 1 homozygote.

Submissions (4):

Labcorp Genetics (formerly Invitae), Labcorp
Classification: Uncertain significance. Last evaluated: 2026-01-05. Review status: criteria provided, single submitter. Criteria: Invitae Variant Classification Sherloc (09022015). Collection method: clinical testing. Allele origin: germline.
Comment: This sequence change replaces arginine, which is basic and polar, with glutamine, which is neutral and polar, at codon 220 of the MGME1 protein (p.Arg220Gln). This variant is present in population databases (rs201465869, gnomAD 0.1%). This variant has not been reported in the literature in individuals affected with MGME1-related conditions. ClinVar contains an entry for this variant (Variation ID: 1368309). Invitae Evidence Modeling of protein sequence and biophysical properties (such as structural, functional, and spatial information, amino acid conservation, physicochemical variation, residue mobility, and thermodynamic stability) indicates that this missense variant is not expected to disrupt MGME1 protein function with a negative predictive value of 80%. In summary, the available evidence is currently insufficient to determine the role of this variant in disease. Therefore, it has been classified as a Variant of Uncertain Significance.

GeneDx
Classification: Uncertain significance. Last evaluated: 2025-01-09. Review status: criteria provided, single submitter. Criteria: GeneDx Variant Classification Process June 2021. Collection method: clinical testing. Allele origin: germline.
Comment: In silico analysis indicates that this missense variant does not alter protein structure/function; Has not been previously published as pathogenic or benign to our knowledge

Ambry Genetics
Classification: Uncertain significance for Inborn genetic diseases. Last evaluated: 2022-10-04. Review status: criteria provided, single submitter. Criteria: Ambry Variant Classification Scheme 2023. Collection method: clinical testing. Allele origin: germline.

Baylor Genetics
Classification: Uncertain significance for Mitochondrial DNA depletion syndrome 11. Last evaluated: 2022-03-23. Review status: criteria provided, single submitter. Criteria: ACMG Guidelines, 2015. Collection method: clinical testing. Allele origin: unknown.

NM_052865.4(MGME1):c.659G>A (p.Arg220Gln)

Gene: MGME1 (mitochondrial genome maintenance exonuclease 1; plus strand). Cytogenetic location: 20p11.23.
Variant type: single nucleotide variant.
Coding change: c.659G>A on transcript NM_052865.4 (MANE Select); coding-DNA position 659, G replaced by A.
Protein change: p.Arg220Gln; replaces arginine 220 with glutamine.
Molecular consequence: missense variant. On other transcripts: intron variant (1).
Genome position (GRCh38, 1-based): chr20:17,975,831, G>A. VCF-style: chr20-17975831-G-A. GRCh37 (hg19) VCF-style: chr20-17956474-G-A.
Other names: c.704G>A, p.Arg235Gln (NM_001310338.2); c.419G>A, p.Arg140Gln (NM_001363738.2); c.511+5461G>A (NM_001310339.2); c.659G>A (NM_052865.2); short protein forms R220Q, R235Q, R140Q.
Identifiers: ClinVar variation 1368309 (VCV001368309.7), dbSNP rs201465869, ClinGen allele CA9774992.
Genomic context (GRCh38, chr20:17,975,831, plus strand): 5'-TCCTCAAGTCTGGTTACATTGAAAGTGTCCAGCATATTCTGAAAGATGTCAGTGGAGTGC[G>A]AGCTCTTGAAAGTGCTGTTCAACATGAAACCTTAAACTATATAGGTCTGCTGGACTGTGT-3'
Protein context (NP_443097.1, residues 210-230): QHILKDVSGV[Arg220Gln]ALESAVQHET